The following is an entry in ClinVar:

NM_006158.5(NEFL):c.716A>G (p.Gln239Arg)

Gene: NEFL (neurofilament light chain; minus strand). Cytogenetic location: 8p21.2.
Variant type: single nucleotide variant.
Coding change: c.716A>G on transcript NM_006158.5 (MANE Select); coding-DNA position 716, A replaced by G.
Protein change: p.Gln239Arg; replaces glutamine 239 with arginine.
Molecular consequence: missense variant.
Genome position (GRCh38, 1-based): chr8:24,955,800, T>C on the plus strand (A>G on the coding strand, the complement: NEFL is on the minus strand). VCF-style: chr8-24955800-T-C. GRCh37 (hg19) VCF-style: chr8-24813314-T-C.
Other names: c.716A>G (NM_006158.3); short protein forms Q239R.
Identifiers: ClinVar variation 447762 (VCV000447762.5), dbSNP rs1170226456, ClinGen allele CA370621789.

ClinVar aggregate classification (germline): Uncertain significance. Review status: criteria provided, multiple submitters, no conflicts (2 of 4 stars). 3 submissions from 3 submitters: Uncertain significance (3). Last evaluated 2024-07-27.

Conditions:
Charcot-Marie-Tooth disease type 2E (CMT2E). Also called: CHARCOT-MARIE-TOOTH DISEASE, AXONAL, TYPE 2E; CHARCOT-MARIE-TOOTH NEUROPATHY, TYPE 2E. Identifiers: Orphanet 99939, MedGen C1843225, MONDO:0011894, OMIM 607684.
Inborn genetic diseases. Identifiers: MedGen C0950123, MeSH D030342.

Allele frequency attached by ClinVar (database versions not stated): gnomAD exomes 0.00001; gnomAD 0.00002.
gnomAD v4.1: 7 of 1,612,592 alleles (0.00043%); highest among the groups gnomAD compares: Admixed American, 0.012%; no homozygotes.

Submissions (3):

Labcorp Genetics (formerly Invitae), Labcorp
Classification: Uncertain significance for Charcot-Marie-Tooth disease type 2E. Last evaluated: 2024-07-27. Review status: criteria provided, single submitter. Criteria: Invitae Variant Classification Sherloc (09022015). Collection method: clinical testing. Allele origin: germline.
Comment: This sequence change replaces glutamine, which is neutral and polar, with arginine, which is basic and polar, at codon 239 of the NEFL protein (p.Gln239Arg). This variant is present in population databases (no rsID available, gnomAD 0.009%). This variant has not been reported in the literature in individuals affected with NEFL-related conditions. ClinVar contains an entry for this variant (Variation ID: 447762). Advanced modeling of protein sequence and biophysical properties (such as structural, functional, and spatial information, amino acid conservation, physicochemical variation, residue mobility, and thermodynamic stability) performed at Invitae indicates that this missense variant is not expected to disrupt NEFL protein function with a negative predictive value of 80%. In summary, the available evidence is currently insufficient to determine the role of this variant in disease. Therefore, it has been classified as a Variant of Uncertain Significance.

Ambry Genetics
Classification: Uncertain significance for Inborn genetic diseases. Last evaluated: 2022-07-26. Review status: criteria provided, single submitter. Criteria: Ambry Variant Classification Scheme 2023. Collection method: clinical testing. Allele origin: germline.

Athena Diagnostics
Classification: Uncertain significance. Last evaluated: 2017-02-02. Review status: criteria provided, single submitter. Criteria: Athena Diagnostics Criteria. Collection method: clinical testing. Allele origin: germline.